The following is an entry in ClinVar:

ClinVar aggregate classification (germline): Uncertain significance (1 of 4 stars; one submission).

gnomAD v4.1: 3 of 1,614,158 alleles (0.00019%); highest among the groups gnomAD compares: Non-Finnish European, 0.00025%; no homozygotes.

Submission:

CeGaT Center for Human Genetics Tuebingen
Classification: Uncertain significance. Last evaluated: 2026-08-01. Review status: criteria provided, single submitter. Criteria: CeGaT Center For Human Genetics Tuebingen Variant Classification Criteria Version 2. Collection method: clinical testing. Allele origin: germline. Affected: yes. Observed: 1 variant allele.
Comment: PEX6: PM2, BP4

NM_000287.4(PEX6):c.782C>G (p.Pro261Arg)

Gene: PEX6 (peroxisomal biogenesis factor 6; minus strand). Cytogenetic location: 6p21.1.
Variant type: single nucleotide variant.
Coding change: c.782C>G on transcript NM_000287.4 (MANE Select); coding-DNA position 782, C replaced by G.
Protein change: p.Pro261Arg; replaces proline 261 with arginine.
Molecular consequence: missense variant. On other transcripts: non-coding transcript variant (1), intron variant (1).
Genome position (GRCh38, 1-based): chr6:42,978,369, G>C on the plus strand (C>G on the coding strand, the complement: PEX6 is on the minus strand). VCF-style: chr6-42978369-G-C. GRCh37 (hg19) VCF-style: chr6-42946107-G-C.
Other names: c.618+164C>G (NM_001316313.2); short protein forms P261R.
Identifiers: ClinVar variation 5039909 (VCV005039909.1).